The following is an entry in ClinVar:

NM_000341.4(SLC3A1):c.851A>T (p.Asp284Val)

Gene: SLC3A1 (solute carrier family 3 member 1; plus strand). Cytogenetic location: 2p21.
Variant type: single nucleotide variant.
Coding change: c.851A>T on transcript NM_000341.4 (MANE Select); coding-DNA position 851, A replaced by T.
Protein change: p.Asp284Val; replaces aspartic acid 284 with valine.
Molecular consequence: missense variant.
Genome position (GRCh38, 1-based): chr2:44,286,117, A>T. VCF-style: chr2-44286117-A-T. GRCh37 (hg19) VCF-style: chr2-44513256-A-T.
Other names: short protein forms D284V.
Identifiers: ClinVar variation 1058713 (VCV001058713.8), dbSNP rs933907652, ClinGen allele CA346690251.

ClinVar aggregate classification (germline): Uncertain significance. Review status: criteria provided, multiple submitters, no conflicts (2 of 4 stars). 2 submissions from 2 submitters: Uncertain significance (2). Last evaluated 2021-12-30.

Conditions:
Cystinuria (CSNU). Also called: Cystinuria, non-type I; CYSTINURIA, TYPE I; CYSTINURIA, TYPE II; CYSTINURIA, TYPE III. Identifiers: Orphanet 214, MedGen C0010691, MONDO:0009067, OMIM 220100, HP:0003131.

Allele frequency attached by ClinVar (database versions not stated): gnomAD exomes below 0.00001; gnomAD 0.00001.
gnomAD v4.1: 2 of 1,613,970 alleles (0.00012%); highest among the groups gnomAD compares: African/African-American, 0.0027%; no homozygotes.

Submissions (2):

Fulgent Genetics
Classification: Uncertain significance for Cystinuria. Last evaluated: 2021-12-30. Review status: criteria provided, single submitter. Criteria: ACMG Guidelines, 2015. Collection method: clinical testing. Allele origin: unknown.

Labcorp Genetics (formerly Invitae), Labcorp
Classification: Uncertain significance for Cystinuria. Last evaluated: 2021-09-09. Review status: criteria provided, single submitter. Criteria: Invitae Variant Classification Sherloc (09022015). Collection method: clinical testing. Allele origin: germline.
Comment: In summary, the available evidence is currently insufficient to determine the role of this variant in disease. Therefore, it has been classified as a Variant of Uncertain Significance. Algorithms developed to predict the effect of missense changes on protein structure and function are either unavailable or do not agree on the potential impact of this missense change (SIFT: "Deleterious"; PolyPhen-2: "Probably Damaging"; Align-GVGD: "Class C0"). This variant has not been reported in the literature in individuals affected with SLC3A1-related conditions. This variant is not present in population databases (ExAC no frequency). This sequence change replaces aspartic acid with valine at codon 284 of the SLC3A1 protein (p.Asp284Val). The aspartic acid residue is highly conserved and there is a large physicochemical difference between aspartic acid and valine.